The following is an entry in ClinVar:

ClinVar aggregate classification (germline): Pathogenic (1 of 4 stars; one submission).

Conditions:
Cystic fibrosis (CF). Also called: MUCOVISCIDOSIS. Identifiers: Orphanet 586, MedGen C0010674, MONDO:0009061, OMIM 219700. Disease mechanism: loss of function.

Submission:

Labcorp Genetics (formerly Invitae), Labcorp
Classification: Pathogenic for Cystic fibrosis. Last evaluated: 2025-11-26. Review status: criteria provided, single submitter. Criteria: Invitae Variant Classification Sherloc (09022015). Collection method: clinical testing. Allele origin: germline.
Comment: This sequence change creates a premature translational stop signal (p.Leu1135*) in the CFTR gene. It is expected to result in an absent or disrupted protein product. Loss-of-function variants in CFTR are known to be pathogenic (PMID: 1695717, 7691345, 9725922). This variant is not present in population databases (gnomAD no frequency). This variant has not been reported in the literature in individuals affected with CFTR-related conditions. ClinVar contains an entry for this variant (Variation ID: 853799). For these reasons, this variant has been classified as Pathogenic.

Literature cited by the submitters: PubMed 1695717; PubMed 7691345; PubMed 9725922.

NM_000492.4(CFTR):c.3404T>A (p.Leu1135Ter)

Genes: CFTR-AS2 (CFTR antisense RNA 2; minus strand), CFTR (CF transmembrane conductance regulator; plus strand). Cytogenetic location: 7q31.2.
Variant type: single nucleotide variant.
Coding change: c.3404T>A on transcript NM_000492.4 (MANE Select); coding-DNA position 3404, T replaced by A.
Protein change: p.Leu1135Ter; replaces leucine 1135 with a stop codon.
Molecular consequence: nonsense.
Genome position (GRCh38, 1-based): chr7:117,614,649, T>A. VCF-style: chr7-117614649-T-A. GRCh37 (hg19) VCF-style: chr7-117254703-T-A.
Other names: short protein forms L1135*.
Identifiers: ClinVar variation 853799 (VCV000853799.7), dbSNP rs1792456313, ClinGen allele CA368993425.